The following is an entry in ClinVar:

ClinVar aggregate classification (germline): Conflicting classifications of pathogenicity. Review status: criteria provided, conflicting classifications (1 of 4 stars). 2 submissions from 2 submitters: Uncertain significance (1); Likely benign (1). Last evaluated 2026-07-01.

Allele frequency attached by ClinVar (database versions not stated): gnomAD 0.00002; TOPMed 0.00002; 1000 Genomes Project 30x 0.00016.

Submissions (2):

CeGaT Center for Human Genetics Tuebingen
Classification: Likely benign. Last evaluated: 2026-07-01. Review status: criteria provided, single submitter. Criteria: CeGaT Center For Human Genetics Tuebingen Variant Classification Criteria Version 2. Collection method: clinical testing. Allele origin: germline. Affected: yes. Observed: 1 variant allele.
Comment: MAGEL2: BS1

Labcorp Genetics (formerly Invitae), Labcorp
Classification: Uncertain significance. Last evaluated: 2023-12-30. Review status: criteria provided, single submitter. Criteria: Invitae Variant Classification Sherloc (09022015). Collection method: clinical testing. Allele origin: germline.
Comment: This sequence change replaces valine, which is neutral and non-polar, with isoleucine, which is neutral and non-polar, at codon 107 of the MAGEL2 protein (p.Val107Ile). This variant is present in population databases (no rsID available, gnomAD 0.06%). This variant has not been reported in the literature in individuals affected with MAGEL2-related conditions. Experimental studies and prediction algorithms are not available or were not evaluated, and the functional significance of this variant is currently unknown. In summary, the available evidence is currently insufficient to determine the role of this variant in disease. Therefore, it has been classified as a Variant of Uncertain Significance.

NM_019066.5(MAGEL2):c.319G>A (p.Val107Ile)

Gene: MAGEL2 (MAGE family member L2; minus strand). Cytogenetic location: 15q11.2.
Variant type: single nucleotide variant.
Coding change: c.319G>A on transcript NM_019066.5 (MANE Select); coding-DNA position 319, G replaced by A.
Protein change: p.Val107Ile; replaces valine 107 with isoleucine.
Molecular consequence: missense variant.
Genome position (GRCh38, 1-based): chr15:23,647,424, C>T on the plus strand (G>A on the coding strand, the complement: MAGEL2 is on the minus strand). VCF-style: chr15-23647424-C-T. GRCh37 (hg19) VCF-style: chr15-23892571-C-T.
Other names: short protein forms V107I.
Identifiers: ClinVar variation 2973199 (VCV002973199.4), dbSNP rs922355971, ClinGen allele CA267661696.